The following is an entry in ClinVar:

ClinVar aggregate classification (germline): Benign/Likely benign. Review status: criteria provided, multiple submitters, no conflicts (2 of 4 stars). 2 submissions from 2 submitters: Benign (1); Likely benign (1). Last evaluated 2025-04-01.

Conditions:
Duchenne muscular dystrophy (DMD). Also called: MUSCULAR DYSTROPHY, PSEUDOHYPERTROPHIC PROGRESSIVE, DUCHENNE TYPE; Duchenne Muscular Dystrophy (DMD). Identifiers: Orphanet 98896, MedGen C0013264, MONDO:0010679, OMIM 310200.

Allele frequency attached by ClinVar (database versions not stated): gnomAD 0.00001; gnomAD exomes 0.00001 and 0.00002; ExAC 0.00003.
gnomAD v4.1: 11 of 1,208,893 alleles (0.00091%); highest among the groups gnomAD compares: South Asian, 0.019%; no homozygotes.

Submissions (2):

CeGaT Center for Human Genetics Tuebingen
Classification: Likely benign. Last evaluated: 2025-04-01. Review status: criteria provided, single submitter. Criteria: CeGaT Center For Human Genetics Tuebingen Variant Classification Criteria Version 2. Collection method: clinical testing. Allele origin: germline. Affected: yes. Observed: 1 variant allele.
Comment: DMD: BP4, BP7, BS2

Labcorp Genetics (formerly Invitae), Labcorp
Classification: Benign for Duchenne muscular dystrophy. Last evaluated: 2023-07-17. Review status: criteria provided, single submitter. Criteria: Invitae Variant Classification Sherloc (09022015). Collection method: clinical testing. Allele origin: germline.

NM_004006.3(DMD):c.6462G>A (p.Gln2154=)

Gene: DMD (dystrophin; minus strand). Cytogenetic location: Xp21.1.
Variant type: single nucleotide variant.
Coding change: c.6462G>A on transcript NM_004006.3 (MANE Select); coding-DNA position 6462, G replaced by A.
Protein change: p.Gln2154=; no amino-acid change (glutamine 2154 retained).
Molecular consequence: synonymous variant. On other transcripts: 5 prime UTR variant (5).
Genome position (GRCh38, 1-based): chrX:31,968,491, C>T on the plus strand (G>A on the coding strand, the complement: DMD is on the minus strand). VCF-style: chrX-31968491-C-T. GRCh37 (hg19) VCF-style: chrX-31986608-C-T.
Other names: c.6438G>A, p.Gln2146= (NM_000109.4); c.6450G>A, p.Gln2150= (NM_004009.3); c.6093G>A, p.Gln2031= (NM_004010.3); c.2439G>A, p.Gln813= (NM_004011.4); c.2430G>A, p.Gln810= (NM_004012.4); c.-919G>A (NM_004013.3, NM_004020.4, NM_004021.3 and 2 more transcripts).
Identifiers: ClinVar variation 1168395 (VCV001168395.16), dbSNP rs762777406, ClinGen allele CA10378453.